The following is an entry in ClinVar:

ClinVar aggregate classification (germline): Likely pathogenic (1 of 4 stars; one submission).

Conditions:
Hypogonadotropic hypogonadism 5 with or without anosmia (KAL5). Also called: CHD7-Related GnRH Deficiency (Kallmann Syndrome 5); HYPOGONADOTROPIC HYPOGONADISM 5 WITH ANOSMIA; HYPOGONADOTROPHIC HYPOGONADISM 5 WITHOUT ANOSMIA. Identifiers: Orphanet 478, MedGen C3552553, MONDO:0012880, OMIM 612370. Disease mechanism: loss of function.

Submission:

Women's Health and Genetics/Laboratory Corporation of America, LabCorp
Classification: Likely pathogenic for Hypogonadotropic hypogonadism 5 with or without anosmia. Last evaluated: 2023-04-19. Review status: criteria provided, single submitter. Criteria: LabCorp Variant Classification Summary - May 2015. Collection method: clinical testing. Allele origin: germline.
Comment: Variant summary: The variant identified by MLPA or other technology involves the deletion of exon 35 in the CHD7 gene. A presumed nomenclature of c.(7608+1_7609-1)_(7830+1_7831-1)del has been designated for the purposes of this classification. Although exact breakpoints of this deletion are not known, it is expected to result in a large in-frame deletion in CHD7, a gene with loss of function as a known mechanism of disease. The variant was absent in 21694 control chromosomes (gnomAD, structural variant dataset). To our knowledge, no occurrence of c.(7608+1_7609-1)_(7830+1_7831-1)del in individuals affected with Hypogonadotropic Hypogonadism 5 With Or Without Anosmia and no experimental evidence demonstrating its impact on protein function have been reported. However, the variant is predicted to remove a portion of the BRK domain (IPR006576) from the encoded protein. No clinical diagnostic laboratories have submitted clinical-significance assessments for this variant to ClinVar after 2014. Based on the evidence outlined above, the variant was classified as likely pathogenic.

NC_000008.10:g.(61769448_61773462)_(61773685_61774754)del

Gene: CHD7 (chromodomain helicase DNA binding protein 7; plus strand). Cytogenetic location: 8q12.2.
Variant type: Deletion.
Identifiers: ClinVar variation 2503801 (VCV002503801.1).